The following is an entry in ClinVar:

ClinVar aggregate classification (germline): Pathogenic. Review status: criteria provided, multiple submitters, no conflicts (2 of 4 stars). 2 submissions from 2 submitters: Pathogenic (2). Last evaluated 2025-08-06.

Conditions:
Neurodevelopmental disorder with dysmorphic facies and distal skeletal anomalies. Identifiers: MedGen C5231448, MONDO:0032855, OMIM 618659.
Inborn genetic diseases. Identifiers: MedGen C0950123, MeSH D030342.

Submissions (2):

3billion
Classification: Pathogenic for Neurodevelopmental disorder with dysmorphic facies and distal skeletal anomalies. Last evaluated: 2025-08-06. Review status: criteria provided, single submitter. Criteria: ACMG Guidelines, 2015. Collection method: clinical testing. Allele origin: germline. Affected: yes.
Comment: The variant is not observed in the gnomAD v4.1.0 dataset. Predicted Consequence/Location: Stop-gained (nonsense): predicted to result in a loss or disruption of normal protein function through nonsense-mediated decay (NMD) or protein truncation. Multiple pathogenic variants are reported downstream of the variant. The variant has been reported to be associated with ZMIZ1-related disorder (ClinVar ID: VCV003819528). Therefore, this variant is classified as Pathogenic according to the recommendation of ACMG/AMP guideline.

Ambry Genetics
Classification: Pathogenic for Inborn genetic diseases. Last evaluated: 2025-01-20. Review status: criteria provided, single submitter. Criteria: Ambry Variant Classification Scheme 2023. Collection method: clinical testing. Allele origin: germline.
Comment: The c.40C>T (p.R14*) alteration, located in exon 5 (coding exon 1) of the ZMIZ1 gene, consists of a C to T substitution at nucleotide position 40. This changes the amino acid from an arginine (R) to a stop codon at amino acid position 14. This alteration is expected to result in loss of function by premature protein truncation or nonsense-mediated mRNA decay. This variant was not reported in population-based cohorts in the Genome Aggregation Database (gnomAD). This variant has occurred de novo in at least one individual with clinical features of ZMIZ1-related neurodevelopmental disorder (Shuyun, 2022). Based on the available evidence, this alteration is classified as pathogenic.

NM_020338.4(ZMIZ1):c.40C>T (p.Arg14Ter)

Gene: ZMIZ1 (zinc finger MIZ-type containing 1; plus strand). Cytogenetic location: 10q22.3.
Variant type: single nucleotide variant.
Coding change: c.40C>T on transcript NM_020338.4 (MANE Select); coding-DNA position 40, C replaced by T.
Protein change: p.Arg14Ter; replaces arginine 14 with a stop codon.
Molecular consequence: nonsense.
Genome position (GRCh38, 1-based): chr10:79,201,672, C>T. VCF-style: chr10-79201672-C-T. GRCh37 (hg19) VCF-style: chr10-80961429-C-T.
Other names: short protein forms R14*.
Identifiers: ClinVar variation 3819528 (VCV003819528.2).